The following is an entry in ClinVar:

ClinVar aggregate classification (germline): Pathogenic/Likely pathogenic. Review status: criteria provided, multiple submitters, no conflicts (2 of 4 stars). 2 submissions from 2 submitters: Pathogenic (1); Likely pathogenic (1). Last evaluated 2022-07-26.

Conditions:
ABCA4-related disorder. Also called: ABCA4-related disorders; ABCA4-related condition. Identifiers: MedGen CN239167.

Submissions (2):

Labcorp Genetics (formerly Invitae), Labcorp
Classification: Pathogenic. Last evaluated: 2022-07-26. Review status: criteria provided, single submitter. Criteria: Invitae Variant Classification Sherloc (09022015). Collection method: clinical testing. Allele origin: germline.
Comment: For these reasons, this variant has been classified as Pathogenic. ClinVar contains an entry for this variant (Variation ID: 842585). This variant has not been reported in the literature in individuals affected with ABCA4-related conditions. This variant is not present in population databases (gnomAD no frequency). This sequence change creates a premature translational stop signal (p.Tyr1538Lysfs*12) in the ABCA4 gene. It is expected to result in an absent or disrupted protein product. Loss-of-function variants in ABCA4 are known to be pathogenic (PMID: 10958761, 24938718, 25312043, 26780318).

Blueprint Genetics
Classification: Likely pathogenic for ABCA4-related disorders. Last evaluated: 2019-08-05. Review status: criteria provided, single submitter. Criteria: ACMG Guidelines, 2015. Collection method: clinical testing. Allele origin: germline. Affected: yes. Observed: 1 variant allele.

Literature cited by the submitters: PubMed 10958761 (cited by Labcorp Genetics (formerly Invitae), Labcorp); PubMed 24938718 (cited by Labcorp Genetics (formerly Invitae), Labcorp); PubMed 25312043 (cited by Labcorp Genetics (formerly Invitae), Labcorp); PubMed 26780318 (cited by Labcorp Genetics (formerly Invitae), Labcorp).

NM_000350.3(ABCA4):c.4612_4625del (p.Tyr1538fs)

Gene: ABCA4 (ATP binding cassette subfamily A member 4; minus strand). Cytogenetic location: 1p22.1.
Variant type: Deletion.
Coding change: c.4612_4625del on transcript NM_000350.3 (MANE Select); coding-DNA positions 4612 to 4625, 14 bases deleted (TATCCTGCTCTTAT).
Protein change: p.Tyr1538fs; shifts the reading frame from tyrosine 1538.
Molecular consequence: frameshift variant.
Genome position (GRCh38, 1-based): chr1:94,024,963-94,024,976, ATAAGAGCAGGATA deleted on the plus strand (TATCCTGCTCTTAT on the coding strand, the reverse complement: ABCA4 is on the minus strand). VCF-style (leftmost placement, unchanged base first): chr1-94024962-TATAAGAGCAGGATA-T. GRCh37 (hg19) VCF-style: chr1-94490518-TATAAGAGCAGGATA-T.
Other names: c.4390_4403delTATCCTGCTCTTAT, p.Tyr1464Lysfs (NM_001425324.1); short protein forms Y1538fs.
Identifiers: ClinVar variation 842585 (VCV000842585.8), dbSNP rs1659997368, ClinGen allele CA916082059.